The following is an entry in ClinVar:

ClinVar aggregate classification (germline): Uncertain significance. Review status: criteria provided, multiple submitters, no conflicts (2 of 4 stars). 6 submissions from 6 submitters: Uncertain significance (6). Last evaluated 2025-04-04.

Conditions:
Hereditary spastic paraplegia 48. Also called: Spastic paraplegia 48; SPASTIC PARAPLEGIA 48, AUTOSOMAL RECESSIVE. Identifiers: Orphanet 306511, MedGen C3150901, MONDO:0013342, OMIM 613647.
Inborn genetic diseases. Identifiers: MedGen C0950123, MeSH D030342.
Hereditary spastic paraplegia. Also called: Familial spastic paraparesis. Identifiers: Orphanet 685, MedGen C0037773, MONDO:0019064. Disease mechanism: loss of function.

Allele frequency attached by ClinVar (database versions not stated): ExAC 0.00020; gnomAD 0.00022; TOPMed 0.00022; ESP Exome Variant Server 0.00040.
gnomAD v4.1: 634 of 1,608,726 alleles (0.039%); highest among the groups gnomAD compares: Non-Finnish European, 0.048%; no homozygotes.

Submissions (6):

Ambry Genetics
Classification: Uncertain significance for Inborn genetic diseases. Last evaluated: 2025-04-04. Review status: criteria provided, single submitter. Criteria: Ambry Variant Classification Scheme 2023. Collection method: clinical testing. Allele origin: germline.

Athena Diagnostics
Classification: Uncertain significance. Last evaluated: 2024-06-27. Review status: criteria provided, single submitter. Criteria: Athena Diagnostics Criteria. Collection method: clinical testing. Allele origin: unknown.
Comment: Available data are insufficient to determine the clinical significance of the variant at this time. The frequency of this variant in the general population is uninformative in assessment of its pathogenicity. Polyphen and MutationTaster predict this amino acid change may be benign.

Labcorp Genetics (formerly Invitae), Labcorp
Classification: Uncertain significance for Hereditary spastic paraplegia 48. Last evaluated: 2022-07-06. Review status: criteria provided, single submitter. Criteria: Invitae Variant Classification Sherloc (09022015). Collection method: clinical testing. Allele origin: germline.
Comment: This sequence change replaces arginine, which is basic and polar, with glutamine, which is neutral and polar, at codon 796 of the AP5Z1 protein (p.Arg796Gln). This variant is present in population databases (rs199981070, gnomAD 0.03%). This variant has not been reported in the literature in individuals affected with AP5Z1-related conditions. ClinVar contains an entry for this variant (Variation ID: 412234). Algorithms developed to predict the effect of missense changes on protein structure and function output the following: SIFT: "Tolerated"; PolyPhen-2: "Benign"; Align-GVGD: "Class C0". The glutamine amino acid residue is found in multiple mammalian species, which suggests that this missense change does not adversely affect protein function. In summary, the available evidence is currently insufficient to determine the role of this variant in disease. Therefore, it has been classified as a Variant of Uncertain Significance.

Mayo Clinic Laboratories, Mayo Clinic
Classification: Uncertain significance. Last evaluated: 2020-01-30. Review status: criteria provided, single submitter. Criteria: ACMG Guidelines, 2015. Collection method: clinical testing. Allele origin: germline. Observed: 2 variant alleles.

Genome Diagnostics Laboratory, The Hospital for Sick Children
Classification: Uncertain significance for Hereditary spastic paraplegia. Last evaluated: 2019-09-01. Review status: criteria provided, single submitter. Criteria: ACMG Guidelines, 2015. Collection method: clinical testing. Allele origin: germline. Affected: yes.

Illumina Laboratory Services, Illumina
Classification: Uncertain significance for Hereditary spastic paraplegia 48. Last evaluated: 2018-01-12. Review status: criteria provided, single submitter. Criteria: ICSL Variant Classification Criteria 13 December 2019. Collection method: clinical testing. Allele origin: germline.

NM_014855.3(AP5Z1):c.2387G>A (p.Arg796Gln)

Gene: AP5Z1 (adaptor related protein complex 5 subunit zeta 1; plus strand). Cytogenetic location: 7p22.1.
Variant type: single nucleotide variant.
Coding change: c.2387G>A on transcript NM_014855.3 (MANE Select); coding-DNA position 2387, G replaced by A.
Protein change: p.Arg796Gln; replaces arginine 796 with glutamine.
Molecular consequence: missense variant. On other transcripts: non-coding transcript variant (1).
Genome position (GRCh38, 1-based): chr7:4,791,348, G>A. VCF-style: chr7-4791348-G-A. GRCh37 (hg19) VCF-style: chr7-4830979-G-A.
Other names: c.2387G>A, p.Arg796Gln (LRG_1247t1); c.1919G>A, p.Arg640Gln (NM_001364858.1); short protein forms R796Q, R640Q.
Identifiers: ClinVar variation 412234 (VCV000412234.21), dbSNP rs199981070, ClinGen allele CA4138461.